The following is an entry in ClinVar:

NC_000012.12:g.121641497G>A

Gene: ORAI1 (ORAI calcium release-activated calcium modulator 1; plus strand). Cytogenetic location: 12q24.31.
Variant type: single nucleotide variant.
Genome position: GRCh38 VCF-style: chr12-121641497-G-A. GRCh37 (hg19) VCF-style: chr12-122079403-G-A.
Other names: c.760G>A, p.Ala254Thr (NM_032790.4); short protein forms A254T.
Identifiers: ClinVar variation 1391406 (VCV001391406.8), dbSNP rs374711919, ClinGen allele CA6837560.

ClinVar aggregate classification (germline): Uncertain significance. Review status: criteria provided, multiple submitters, no conflicts (2 of 4 stars). 2 submissions from 2 submitters: Uncertain significance (2). Last evaluated 2026-04-01.

Conditions:
Combined immunodeficiency due to ORAI1 deficiency. Also called: IMMUNODEFICIENCY 9. Identifiers: Orphanet 169090, Orphanet 317428, MedGen C2748568, MONDO:0013007, OMIM 612782.
Myopathy, tubular aggregate, 2 (TAM2). Identifiers: MedGen C4014557, MONDO:0014383, OMIM 615883.

Allele frequency attached by ClinVar (database versions not stated): gnomAD 0.00001; gnomAD exomes 0.00001 and 0.00002; TOPMed 0.00002; ExAC 0.00003; ESP Exome Variant Server 0.00008.

Submissions (2):

CeGaT Center for Human Genetics Tuebingen
Classification: Uncertain significance. Last evaluated: 2026-04-01. Review status: criteria provided, single submitter. Criteria: CeGaT Center For Human Genetics Tuebingen Variant Classification Criteria Version 2. Collection method: clinical testing. Allele origin: germline. Affected: yes. Observed: 1 variant allele.
Comment: ORAI1: PM2

Labcorp Genetics (formerly Invitae), Labcorp
Classification: Uncertain significance for Myopathy, tubular aggregate, 2; Combined immunodeficiency due to ORAI1 deficiency. Last evaluated: 2025-06-23. Review status: criteria provided, single submitter. Criteria: Invitae Variant Classification Sherloc (09022015). Collection method: clinical testing. Allele origin: germline.
Comment: This sequence change replaces alanine, which is neutral and non-polar, with threonine, which is neutral and polar, at codon 254 of the ORAI1 protein (p.Ala254Thr). This variant is present in population databases (rs374711919, gnomAD 0.02%). This variant has not been reported in the literature in individuals affected with ORAI1-related conditions. ClinVar contains an entry for this variant (Variation ID: 1391406). Experimental studies and prediction algorithms are not available or were not evaluated, and the functional significance of this variant is currently unknown. In summary, the available evidence is currently insufficient to determine the role of this variant in disease. Therefore, it has been classified as a Variant of Uncertain Significance.